The following is an entry in ClinVar:

NM_000130.5(F5):c.1284A>T (p.Arg428Ser)

Gene: F5 (coagulation factor V; minus strand). Cytogenetic location: 1q24.2.
Variant type: single nucleotide variant.
Coding change: c.1284A>T on transcript NM_000130.5 (MANE Select); coding-DNA position 1284, A replaced by T.
Protein change: p.Arg428Ser; replaces arginine 428 with serine.
Molecular consequence: missense variant.
Genome position (GRCh38, 1-based): chr1:169,552,569, T>A on the plus strand (A>T on the coding strand, the complement: F5 is on the minus strand). VCF-style: chr1-169552569-T-A. GRCh37 (hg19) VCF-style: chr1-169521807-T-A.
Other names: short protein forms R428S.
Identifiers: ClinVar variation 3377663 (VCV003377663.1).
Genomic context (GRCh38, chr1:169,552,569, plus strand): 5'-TATTTTACTATGTAATTTCTCCCATGATTCTGTATTTGTGTTACTTACTTTGAGTGTGTC[T>A]CTGACCTGGGCTCTGATAATAGGACCCAAAATCCCATCTTCTTTCATATTGGGATTCACT-3'
Protein context (NP_000121.2, residues 418-438): ILGPIIRAQV[Arg428Ser]DTLKIVFKNM

ClinVar aggregate classification (germline): Uncertain significance (1 of 4 stars; one submission).

Conditions:
Thrombophilia due to activated protein C resistance (THPH2). Also called: PCCF DEFICIENCY; PROC COFACTOR DEFICIENCY; THROMBOPHILIA DUE TO DEFICIENCY OF ACTIVATED PROTEIN C COFACTOR; THROMBOPHILIA V; APC resistance; Activated protein C resistance. Identifiers: MedGen C1861171, MONDO:0008560, OMIM 188055. Disease mechanism: loss of function, gain of function.

Submission:

Neuberg Centre For Genomic Medicine, NCGM
Classification: Uncertain significance for Thrombophilia due to activated protein C resistance. Last evaluated: 2023-06-22. Review status: criteria provided, single submitter. Criteria: ACMG Guidelines, 2015. Collection method: clinical testing. Allele origin: germline. Inheritance: Autosomal dominant inheritance. Affected: yes.
Comment: The observed missense c.1284A>T (p.Arg428Ser) variant in F5 gene has not been reported previously as a pathogenic variant nor as a benign variant, to our knowledge. The p.Arg428Ser variant is absent in gnomAD Exomes. This variant has not been submitted to the ClinVar database. Multiple lines of computational evidence (Polyphen - Probably Damaging, SIFT - Damaging and MutationTaster - Disease causing) predict a damaging effect on protein structure and function for this variant. The reference amino acid of p.Arg428Ser in F5 is predicted as conserved by GERP++ and PhyloP across 100 vertebrates. The amino acid Arg at position 428 is changed to a Ser changing protein sequence and it might alter its composition and physico-chemical properties. For these reasons, this variant has been classified as a Variant of Uncertain Significance (VUS).